The following is an entry in ClinVar:

NM_177924.5(ASAH1):c.374T>G (p.Ile125Arg)

Gene: ASAH1 (N-acylsphingosine amidohydrolase 1; minus strand). Cytogenetic location: 8p22.
Variant type: single nucleotide variant.
Coding change: c.374T>G on transcript NM_177924.5 (MANE Select); coding-DNA position 374, T replaced by G.
Protein change: p.Ile125Arg; replaces isoleucine 125 with arginine.
Molecular consequence: missense variant.
Genome position (GRCh38, 1-based): chr8:18,067,228, A>C on the plus strand (T>G on the coding strand, the complement: ASAH1 is on the minus strand). VCF-style: chr8-18067228-A-C. GRCh37 (hg19) VCF-style: chr8-17924737-A-C.
Other names: c.356T>G, p.Ile119Arg (NM_001127505.3); c.179T>G, p.Ile60Arg (NM_001363743.2); c.422T>G, p.Ile141Arg (NM_004315.6); short protein forms I141R, I119R, I60R, I125R.
Identifiers: ClinVar variation 2108314 (VCV002108314.2), dbSNP rs138224188, ClinGen allele CA370432671.

ClinVar aggregate classification (germline): Uncertain significance (1 of 4 stars; one submission).

gnomAD v4.1: 1 of 1,601,408 alleles (0.000062%); highest among the groups gnomAD compares: South Asian, 0.0011%; no homozygotes.

Submission:

Labcorp Genetics (formerly Invitae), Labcorp
Classification: Uncertain significance. Last evaluated: 2022-03-10. Review status: criteria provided, single submitter. Criteria: Invitae Variant Classification Sherloc (09022015). Collection method: clinical testing. Allele origin: germline.
Comment: In summary, the available evidence is currently insufficient to determine the role of this variant in disease. Therefore, it has been classified as a Variant of Uncertain Significance. Algorithms developed to predict the effect of missense changes on protein structure and function (SIFT, PolyPhen-2, Align-GVGD) all suggest that this variant is likely to be disruptive. This variant has not been reported in the literature in individuals affected with ASAH1-related conditions. This variant is not present in population databases (gnomAD no frequency). This sequence change replaces isoleucine, which is neutral and non-polar, with arginine, which is basic and polar, at codon 125 of the ASAH1 protein (p.Ile125Arg).